The following is an entry in ClinVar:

NM_001378454.1(ALMS1):c.8111_8112delinsG (p.Ser2704fs)

Gene: ALMS1 (ALMS1 centrosome and basal body associated protein; plus strand). Cytogenetic location: 2p13.1.
Variant type: Indel.
Coding change: c.8111_8112delinsG on transcript NM_001378454.1 (MANE Select); coding-DNA positions 8111 to 8112, CC replaced by G.
Protein change: p.Ser2704fs; shifts the reading frame from serine 2704.
Molecular consequence: frameshift variant.
Genome position (GRCh38, 1-based): chr2:73,490,070-73,490,071, CC replaced by G. VCF-style: chr2-73490070-CC-G. GRCh37 (hg19) VCF-style: chr2-73717197-CC-G.
Other names: c.8114_8115delinsG, p.Ser2705fs (NM_015120.4); short protein forms S2704fs, S2705fs.
Identifiers: ClinVar variation 4977001 (VCV004977001.1).

ClinVar aggregate classification (germline): Likely pathogenic (1 of 4 stars; one submission).

Conditions:
ALMS1-related disorder. Also called: ALMS1-related condition.

Submission:

PreventionGenetics, part of Exact Sciences
Classification: Likely pathogenic for ALMS1-related condition. Last evaluated: 2026-05-26. Review status: criteria provided, single submitter. Criteria: ACMG Guidelines, 2015. Collection method: clinical testing. Allele origin: germline.
Comment: The ALMS1 c.8114_8115delinsG variant is predicted to result in a frameshift and premature protein termination (p.Glu2705Glyfs*3). To our knowledge, this variant has not been reported in the literature or in a large population database (gnomAD), indicating this variant is rare. Frameshift variants in ALMS1 are expected to be pathogenic. This variant is interpreted as likely pathogenic.